The following is an entry in ClinVar:

ClinVar aggregate classification (germline): Uncertain significance (1 of 4 stars; one submission).

Conditions:
Hereditary cancer-predisposing syndrome. Also called: Neoplastic Syndromes, Hereditary; Tumor predisposition; Hereditary Cancer Syndrome; Hereditary neoplastic syndrome. Identifiers: Orphanet 140162, MedGen C0027672, MeSH D009386, MONDO:0015356.

gnomAD v4.1: 1 of 1,614,130 alleles (0.000062%); highest among the groups gnomAD compares: South Asian, 0.0011%; no homozygotes.

Submission:

Ambry Genetics
Classification: Uncertain significance for Hereditary cancer-predisposing syndrome. Last evaluated: 2025-11-16. Review status: criteria provided, single submitter. Criteria: Ambry Variant Classification Scheme 2023. Collection method: clinical testing. Allele origin: germline.
Comment: The p.A363G variant (also known as c.1088C>G), located in coding exon 9 of the MITF gene, results from a C to G substitution at nucleotide position 1088. The alanine at codon 363 is replaced by glycine, an amino acid with similar properties. This amino acid position is conserved. In addition, this alteration is predicted to be tolerated by in silico analysis. Based on the available evidence, the clinical significance of this variant remains unclear.

NM_001354604.2(MITF):c.1409C>G (p.Ala470Gly)

Gene: MITF (melanocyte inducing transcription factor; plus strand). Cytogenetic location: 3p13.
Variant type: single nucleotide variant.
Coding change: c.1409C>G on transcript NM_001354604.2 (MANE Select); coding-DNA position 1409, C replaced by G.
Protein change: p.Ala470Gly; replaces alanine 470 with glycine.
Molecular consequence: missense variant.
Genome position (GRCh38, 1-based): chr3:69,965,076, C>G. VCF-style: chr3-69965076-C-G. GRCh37 (hg19) VCF-style: chr3-70014227-C-G.
Other names: c.1070C>G, p.Ala357Gly (NM_198158.3); c.1391C>G, p.Ala464Gly (NM_198159.3); c.1343C>G, p.Ala448Gly (NM_198177.3); c.902C>G, p.Ala301Gly (NM_198178.3); c.1088C>G, p.Ala363Gly (NM_000248.4); c.1235C>G, p.Ala412Gly (NM_001184967.2, NM_001354608.2); c.1406C>G, p.Ala469Gly (NM_001354605.2); c.1388C>G, p.Ala463Gly (NM_001354606.2, NM_006722.3); and 1 more; short protein forms A363G, A469G, A470G, A357G, A412G, A463G, A447G, A448G.
Identifiers: ClinVar variation 4648823 (VCV004648823.1).
Genomic context (GRCh38, chr3:69,965,076, plus strand): 5'-TCACGGATGGCACCATCACCTTCAACAACAACCTCGGAACTGGGACTGAGGCCAACCAAG[C>G]CTATAGTGTCCCCACAAAAATGGGATCCAAACTGGAAGACATCCTGATGGACGACACCCT-3'
Protein context (NP_001341533.1, residues 460-480): NLGTGTEANQ[Ala470Gly]YSVPTKMGSK